The following is an entry in ClinVar:

NM_018979.4(WNK1):c.350C>A (p.Pro117Gln)

Gene: WNK1 (WNK lysine deficient protein kinase 1; plus strand). Cytogenetic location: 12p13.33.
Variant type: single nucleotide variant.
Coding change: c.350C>A on transcript NM_018979.4 (MANE Select); coding-DNA position 350, C replaced by A.
Protein change: p.Pro117Gln; replaces proline 117 with glutamine.
Molecular consequence: missense variant.
Genome position (GRCh38, 1-based): chr12:753,915, C>A. VCF-style: chr12-753915-C-A. GRCh37 (hg19) VCF-style: chr12-863081-C-A.
Other names: c.350C>A, p.Pro117Gln (NM_001184985.2, NM_014823.3, NM_213655.5); short protein forms P117Q.
Identifiers: ClinVar variation 2178648 (VCV002178648.4), dbSNP rs369737438, ClinGen allele CA6381760.

ClinVar aggregate classification (germline): Uncertain significance (1 of 4 stars; one submission).

Conditions:
Neuropathy, hereditary sensory and autonomic, type 2A (HSAN2A). Also called: ACROOSTEOLYSIS, GIACCAI TYPE; ACROOSTEOLYSIS, NEUROGENIC; MORVAN DISEASE; NEUROPATHY, CONGENITAL SENSORY; NEUROPATHY, HEREDITARY SENSORY RADICULAR, AUTOSOMAL RECESSIVE; NEUROPATHY, HEREDITARY SENSORY, TYPE IIA. Identifiers: Orphanet 970, MedGen C2752089, MONDO:0024309, OMIM 201300.
Pseudohypoaldosteronism type 2C (PHA2C). Also called: Pseudohypoaldosteronism Type IIC. Identifiers: Orphanet 757, Orphanet 88940, MedGen C1840391, MONDO:0013778, OMIM 614492.

Allele frequency attached by ClinVar (database versions not stated): ExAC 0.00001; gnomAD 0.00001; ESP Exome Variant Server 0.00008.
gnomAD v4.1: 1 of 1,609,184 alleles (0.000062%); highest among the groups gnomAD compares: African/African-American, 0.0013%; no homozygotes.

Submission:

Labcorp Genetics (formerly Invitae), Labcorp
Classification: Uncertain significance for Neuropathy, hereditary sensory and autonomic, type 2A; Pseudohypoaldosteronism type 2C. Last evaluated: 2022-05-09. Review status: criteria provided, single submitter. Criteria: Invitae Variant Classification Sherloc (09022015). Collection method: clinical testing. Allele origin: germline.
Comment: In summary, the available evidence is currently insufficient to determine the role of this variant in disease. Therefore, it has been classified as a Variant of Uncertain Significance. Advanced modeling of protein sequence and biophysical properties (such as structural, functional, and spatial information, amino acid conservation, physicochemical variation, residue mobility, and thermodynamic stability) performed at Invitae indicates that this missense variant is not expected to disrupt WNK1 protein function. This variant has not been reported in the literature in individuals affected with WNK1-related conditions. The frequency data for this variant in the population databases is considered unreliable, as metrics indicate poor data quality at this position in the gnomAD database. This sequence change replaces proline, which is neutral and non-polar, with glutamine, which is neutral and polar, at codon 117 of the WNK1 protein (p.Pro117Gln).